The following is an entry in ClinVar:

ClinVar aggregate classification (germline): Uncertain significance (1 of 4 stars; one submission).

gnomAD v4.1: 12 of 1,613,852 alleles (0.00074%); highest among the groups gnomAD compares: Non-Finnish European, 0.001%; no homozygotes.

Submission:

Labcorp Genetics (formerly Invitae), Labcorp
Classification: Uncertain significance. Last evaluated: 2025-03-10. Review status: criteria provided, single submitter. Criteria: Invitae Variant Classification Sherloc (09022015). Collection method: clinical testing. Allele origin: germline.
Comment: This sequence change replaces arginine, which is basic and polar, with proline, which is neutral and non-polar, at codon 331 of the KMT2A protein (p.Arg331Pro). This variant is not present in population databases (gnomAD no frequency). This variant has not been reported in the literature in individuals affected with KMT2A-related conditions. ClinVar contains an entry for this variant (Variation ID: 2092589). Invitae Evidence Modeling of protein sequence and biophysical properties (such as structural, functional, and spatial information, amino acid conservation, physicochemical variation, residue mobility, and thermodynamic stability) has been performed for this missense variant. However, the output from this modeling did not meet the statistical confidence thresholds required to predict the impact of this variant on KMT2A protein function. In summary, the available evidence is currently insufficient to determine the role of this variant in disease. Therefore, it has been classified as a Variant of Uncertain Significance.

NM_001197104.2(KMT2A):c.992G>C (p.Arg331Pro)

Gene: KMT2A (lysine methyltransferase 2A; plus strand). Cytogenetic location: 11q23.3.
Variant type: single nucleotide variant.
Coding change: c.992G>C on transcript NM_001197104.2 (MANE Select); coding-DNA position 992, G replaced by C.
Protein change: p.Arg331Pro; replaces arginine 331 with proline.
Molecular consequence: missense variant.
Genome position (GRCh38, 1-based): chr11:118,472,151, G>C. VCF-style: chr11-118472151-G-C. GRCh37 (hg19) VCF-style: chr11-118342866-G-C.
Other names: c.1091G>C, p.Arg364Pro (NM_001412597.1); c.992G>C, p.Arg331Pro (NM_005933.4); short protein forms R364P, R331P.
Identifiers: ClinVar variation 2092589 (VCV002092589.4), dbSNP rs148514018, ClinGen allele CA382808753.